The following is an entry in ClinVar:

NM_018036.7(ATG2B):c.4899C>T (p.Leu1633=)

Gene: ATG2B (autophagy related 2B; minus strand). Cytogenetic location: 14q32.2.
Variant type: single nucleotide variant.
Coding change: c.4899C>T on transcript NM_018036.7 (MANE Select); coding-DNA position 4899, C replaced by T.
Protein change: p.Leu1633=; no amino-acid change (leucine 1633 retained).
Molecular consequence: synonymous variant.
Genome position (GRCh38, 1-based): chr14:96,303,199, G>A on the plus strand (C>T on the coding strand, the complement: ATG2B is on the minus strand). VCF-style: chr14-96303199-G-A. GRCh37 (hg19) VCF-style: chr14-96769536-G-A.
Identifiers: ClinVar variation 789064 (VCV000789064.8), dbSNP rs35682045, ClinGen allele CA7335789.

ClinVar aggregate classification (germline): Benign. Review status: criteria provided, multiple submitters, no conflicts (2 of 4 stars). 4 submissions from 4 submitters: Benign (2). 2 of the submissions do not count toward it. Last evaluated 2018-04-16.

Conditions:
ATG2B-related disorder. Also called: ATG2B-related condition.

Allele frequency attached by ClinVar (database versions not stated): gnomAD exomes 0.00054 and 0.00147; ExAC 0.00175; 1000 Genomes Project 30x 0.00484; 1000 Genomes Project 0.00499; gnomAD 0.00629 and 0.00675; ESP Exome Variant Server 0.00638; TOPMed 0.00696.
gnomAD v4.1: 1,756 of 1,611,410 alleles (0.11%); highest among the groups gnomAD compares: African/African-American, 2.1%; 20 homozygotes.

Submissions (4):

Labcorp Genetics (formerly Invitae), Labcorp
Classification: Benign. Last evaluated: 2018-04-16. Review status: criteria provided, single submitter. Criteria: Invitae Variant Classification Sherloc (09022015). Collection method: clinical testing. Allele origin: germline.

Breakthrough Genomics
Classification: Benign. Review status: criteria provided, single submitter. Criteria: ACMG Guidelines, 2015. Collection method: not provided. Allele origin: germline. Inheritance: Unknown mechanism. Affected: yes.

Genetic Services Laboratory, University of Chicago
Classification: Benign. Last evaluated: 2022-05-24. Review status: no assertion criteria provided. Collection method: clinical testing. Allele origin: germline. Affected: no. Not counted in ClinVar's aggregate classification.

PreventionGenetics, part of Exact Sciences
Classification: Benign for ATG2B-related condition. Last evaluated: 2019-06-06. Review status: no assertion criteria provided. Collection method: clinical testing. Allele origin: germline. Not counted in ClinVar's aggregate classification.
Comment: This variant is classified as benign based on ACMG/AMP sequence variant interpretation guidelines (Richards et al. 2015 PMID: 25741868, with internal and published modifications).